The following is an entry in ClinVar:

NM_030777.4(SLC2A10):c.197G>A (p.Gly66Asp)

Gene: SLC2A10 (solute carrier family 2 member 10; plus strand). Cytogenetic location: 20q13.12.
Variant type: single nucleotide variant.
Coding change: c.197G>A on transcript NM_030777.4 (MANE Select); coding-DNA position 197, G replaced by A.
Protein change: p.Gly66Asp; replaces glycine 66 with aspartic acid.
Molecular consequence: missense variant.
Genome position (GRCh38, 1-based): chr20:46,725,233, G>A. VCF-style: chr20-46725233-G-A. GRCh37 (hg19) VCF-style: chr20-45353872-G-A.
Other names: short protein forms G66D.
Identifiers: ClinVar variation 492845 (VCV000492845.1), dbSNP rs1555887829, ClinGen allele CA409266536.

ClinVar aggregate classification (germline): Uncertain significance (0 of 4 stars; one submission).

Conditions:
Arterial tortuosity syndrome (ATORS). Identifiers: Orphanet 3342, MedGen C1859726, MONDO:0008818, OMIM 208050.

Submission:

Clinical Molecular Genetics Laboratory, Johns Hopkins All Children's Hospital
Classification: Uncertain significance for Arterial tortuosity syndrome. Last evaluated: 2017-05-24. Review status: no assertion criteria provided. Collection method: clinical testing. Allele origin: germline. Affected: yes.
Comment: present with a known heterozygous pathogenic variant, phase not determined. Clinical phenotype specific for areterial tortuosity